The following is an entry in ClinVar:

ClinVar aggregate classification (germline): Pathogenic/Likely pathogenic. Review status: criteria provided, multiple submitters, no conflicts (2 of 4 stars). 3 submissions from 3 submitters: Pathogenic (2); Likely pathogenic (1). Last evaluated 2024-03-15.

Conditions:
ERCC8-related disorder. Also called: ERCC8-related condition.
Cockayne syndrome type 1. Also called: Cockayne syndrome type I; Cockayne syndrome classical; Cockayne syndrome classic form. Identifiers: Orphanet 191, Orphanet 90321, MedGen C0751039, MONDO:0019569, OMIM 216400.
UV-sensitive syndrome 2 (UVSS2). Identifiers: Orphanet 178338, MedGen C3553298, MONDO:0013829, OMIM 614621.

Allele frequency attached by ClinVar (database versions not stated): ExAC 0.00001; gnomAD 0.00001; gnomAD exomes 0.00001; 1000 Genomes Project 30x 0.00016; 1000 Genomes Project 0.00020.

Submissions (3):

Fulgent Genetics
Classification: Pathogenic for Cockayne syndrome type 1; UV-sensitive syndrome 2. Last evaluated: 2024-03-15. Review status: criteria provided, single submitter. Criteria: ACMG Guidelines, 2015. Collection method: clinical testing. Allele origin: germline.

PreventionGenetics, part of Exact Sciences
Classification: Likely pathogenic for ERCC8-related condition. Last evaluated: 2023-09-03. Review status: criteria provided, single submitter. Criteria: ACMG Guidelines, 2015. Collection method: clinical testing. Allele origin: germline.
Comment: The ERCC8 c.174C>A variant is predicted to result in premature protein termination (p.Tyr58*). To our knowledge, this variant has not been reported in the literature. This variant is reported in 0.0058% of alleles in individuals of Latino descent in gnomAD. Nonsense variants in ERCC8 are expected to be pathogenic. This variant is interpreted as likely pathogenic.

Labcorp Genetics (formerly Invitae), Labcorp
Classification: Pathogenic. Last evaluated: 2023-07-25. Review status: criteria provided, single submitter. Criteria: Invitae Variant Classification Sherloc (09022015). Collection method: clinical testing. Allele origin: germline.
Comment: For these reasons, this variant has been classified as Pathogenic. ClinVar contains an entry for this variant (Variation ID: 1364013). This sequence change creates a premature translational stop signal (p.Tyr58*) in the ERCC8 gene. It is expected to result in an absent or disrupted protein product. Loss-of-function variants in ERCC8 are known to be pathogenic (PMID: 29572252). This variant is present in population databases (rs530679736, gnomAD 0.006%). This variant has not been reported in the literature in individuals affected with ERCC8-related conditions.

Literature cited by the submitters: PubMed 29572252 (cited by Labcorp Genetics (formerly Invitae), Labcorp).

NM_000082.4(ERCC8):c.174C>A (p.Tyr58Ter)

Gene: ERCC8 (ERCC excision repair 8, CSA ubiquitin ligase complex subunit; minus strand). Cytogenetic location: 5q12.1.
Variant type: single nucleotide variant.
Coding change: c.174C>A on transcript NM_000082.4 (MANE Select); coding-DNA position 174, C replaced by A.
Protein change: p.Tyr58Ter; replaces tyrosine 58 with a stop codon.
Molecular consequence: nonsense. On other transcripts: 5 prime UTR variant (2).
Genome position (GRCh38, 1-based): chr5:60,922,155, G>T on the plus strand (C>A on the coding strand, the complement: ERCC8 is on the minus strand). VCF-style: chr5-60922155-G-T. GRCh37 (hg19) VCF-style: chr5-60217982-G-T.
Other names: c.-1C>A (NM_001007233.3); c.174C>A, p.Tyr58Ter (NM_001007234.3); c.-204C>A (NM_001290285.2); short protein forms Y58*.
Identifiers: ClinVar variation 1364013 (VCV001364013.8), dbSNP rs530679736, ClinGen allele CA3277921.
Genomic context (GRCh38, chr5:60,922,155, plus strand): 5'-TCTGCTGGAGTTCTCAAGGTCATAAAGTACAATCACACCATCTGAACCACCTGATAACAT[G>T]CTGATAATAAAAAAGTTCACATTAATTTATCATTTTATTTATTATTTAGTCCATTTATTT-3'